The following is an entry in ClinVar:

ClinVar aggregate classification (germline): Benign/Likely benign. Review status: criteria provided, multiple submitters, no conflicts (2 of 4 stars). 8 submissions from 7 submitters: Benign (6); Likely benign (2). Last evaluated 2026-02-02.

Conditions:
Meckel-Gruber syndrome. Also called: DYSENCEPHALIA SPLANCHNOCYSTICA; GRUBER SYNDROME; Dysencephalia splachnocystica. Identifiers: Orphanet 564, MedGen C0265215, MONDO:0018921.
Joubert syndrome. Also called: Familial aplasia of the vermis; JOUBERT-BOLTSHAUSER SYNDROME. Identifiers: Orphanet 475, MedGen C5979921, MONDO:0018772.
Meckel syndrome, type 6. Identifiers: Orphanet 564, MedGen C2676790, MONDO:0012848, OMIM 612284.
Joubert syndrome 9 (JBTS9). Identifiers: Orphanet 2318, MedGen C2676788, MONDO:0012849, OMIM 612285.

Allele frequency attached by ClinVar (database versions not stated): gnomAD exomes 0.00072 and 0.00197; ExAC 0.00241; gnomAD 0.00690 and 0.00732; ESP Exome Variant Server 0.00694; TOPMed 0.00808; 1000 Genomes Project 0.00938; 1000 Genomes Project 30x 0.00984.

Submissions (8):

Labcorp Genetics (formerly Invitae), Labcorp
Classification: Benign for Joubert syndrome; Meckel-Gruber syndrome. Last evaluated: 2026-02-02. Review status: criteria provided, single submitter. Criteria: Invitae Variant Classification Sherloc (09022015). Collection method: clinical testing. Allele origin: germline.

Mayo Clinic Laboratories, Mayo Clinic
Classification: Benign. Last evaluated: 2023-02-01. Review status: criteria provided, single submitter. Criteria: ACMG Guidelines, 2015. Collection method: clinical testing. Allele origin: germline. Observed: 14 variant alleles.
Comment: BS1, BS2, BP4

Illumina Laboratory Services, Illumina
Classification: Benign for Joubert syndrome 9. Last evaluated: 2017-04-27. Review status: criteria provided, single submitter. Criteria: ICSL Variant Classification Criteria 13 December 2019. Collection method: clinical testing. Allele origin: germline.
Comment: This variant was observed as part of a predisposition screen in an ostensibly healthy population. A literature search was performed for the gene, cDNA change, and amino acid change (where applicable). No publications were found based on this search. Allele frequency data from public databases was too high to be consistent with this variant causing disease. Therefore, this variant is classified as benign.

Illumina Laboratory Services, Illumina
Classification: Likely benign for Meckel syndrome, type 6. Last evaluated: 2017-04-27. Review status: criteria provided, single submitter. Criteria: ICSL Variant Classification Criteria 13 December 2019. Collection method: clinical testing. Allele origin: germline.
Comment: This variant was observed as part of a predisposition screen in an ostensibly healthy population. A literature search was performed for the gene, cDNA change, and amino acid change (where applicable). No publications were found based on this search. Allele frequency data from public databases allowed determination this variant is unlikely to cause disease. Therefore, this variant is classified as likely benign.

GeneDx
Classification: Benign. Last evaluated: 2016-10-06. Review status: criteria provided, single submitter. Criteria: GeneDx Variant Classification (06012015). Collection method: clinical testing. Allele origin: germline. Affected: yes.
Comment: This variant is considered likely benign or benign based on one or more of the following criteria: it is a conservative change, it occurs at a poorly conserved position in the protein, it is predicted to be benign by multiple in silico algorithms, and/or has population frequency not consistent with disease.

Genetic Services Laboratory, University of Chicago
Classification: Benign. Last evaluated: 2015-11-24. Review status: criteria provided, single submitter. Criteria: ACMG Guidelines, 2015. Collection method: clinical testing. Allele origin: germline. Affected: no.

Breakthrough Genomics
Classification: Likely benign. Review status: criteria provided, single submitter. Criteria: ACMG Guidelines, 2015. Collection method: not provided. Allele origin: germline. Inheritance: Autosomal recessive inheritance. Affected: yes.

PreventionGenetics, part of Exact Sciences
Classification: Benign. Review status: criteria provided, single submitter. Criteria: ACMG Guidelines, 2015. Collection method: clinical testing. Allele origin: germline.

NM_001378615.1(CC2D2A):c.721G>A (p.Glu241Lys)

Genes: CC2D2A (coiled-coil and C2 domain containing 2A; plus strand), FBXL5 (F-box and leucine rich repeat protein 5; minus strand). Cytogenetic location: 4p15.32.
Variant type: single nucleotide variant.
Coding change: c.721G>A on transcript NM_001378615.1 (MANE Select); coding-DNA position 721, G replaced by A.
Protein change: p.Glu241Lys; replaces glutamic acid 241 with lysine.
Molecular consequence: missense variant.
Genome position (GRCh38, 1-based): chr4:15,514,710, G>A. VCF-style: chr4-15514710-G-A. GRCh37 (hg19) VCF-style: chr4-15516333-G-A.
Other names: p.Glu241Lys; c.721G>A, p.Glu241Lys (NM_001080522.2); c.574G>A, p.Glu192Lys (NM_001378617.1); short protein forms E241K, E192K.
Identifiers: ClinVar variation 126247 (VCV000126247.22), dbSNP rs62000428, ClinGen allele CA150886.